The following is an entry in ClinVar:

NM_080632.3(UPF3B):c.772G>C (p.Glu258Gln)

Gene: UPF3B (UPF3B regulator of nonsense mediated mRNA decay; minus strand). Cytogenetic location: Xq24.
Variant type: single nucleotide variant.
Coding change: c.772G>C on transcript NM_080632.3 (MANE Select); coding-DNA position 772, G replaced by C.
Protein change: p.Glu258Gln; replaces glutamic acid 258 with glutamine.
Molecular consequence: missense variant.
Genome position (GRCh38, 1-based): chrX:119,841,111, C>G on the plus strand (G>C on the coding strand, the complement: UPF3B is on the minus strand). VCF-style: chrX-119841111-C-G. GRCh37 (hg19) VCF-style: chrX-118975074-C-G.
Other names: c.772G>C, p.Glu258Gln (NM_023010.4); short protein forms E258Q.
Identifiers: ClinVar variation 100888 (VCV000100888.2), dbSNP rs483352765, ClinGen allele CA229204.
Genomic context (GRCh38, chrX:119,841,111, plus strand): 5'-GCAGTCAGTTTCAACATTCTTATACCTTAATCTTTGGTTCATCCTTTAATTTGTCCCTTT[C>G]TGGAATTCTGTCTATCTTCTTTAGCTTTTCTATATCTTTCCTTTTTCGTTTCTCTTCTTC-3'
Protein context (NP_542199.1, residues 248-268): EKLKKIDRIP[Glu258Gln]RDKLKDEPKI

ClinVar aggregate classification (germline): Uncertain significance. Review status: no assertion criteria provided (0 of 4 stars). 2 submissions from 1 submitter: Uncertain significance (1). 1 of the submissions does not count toward it.

Submissions (2):

Richard Lifton Laboratory, Yale University School of Medicine
Classification: Uncertain significance. Review status: no assertion criteria provided. Collection method: not provided. Allele origin: somatic.
Comment: UPF3B:p.E258Q
ClinVar note: Converted during submission from unknown to Uncertain significance.

Richard Lifton Laboratory, Yale University School of Medicine
Classification: Uncertain significance. Review status: flagged submission. Collection method: not provided. Allele origin: somatic. Not counted in ClinVar's aggregate classification.
ClinVar note: Converted during submission from unknown to Uncertain significance.
ClinVar note: Reason: This record appears to be redundant with a more recent record from the same submitter.
ClinVar note: Notes: SCV000120113 appears to be redundant with SCV000155217.